The following is an entry in ClinVar:

ClinVar aggregate classification (germline): Pathogenic. Review status: criteria provided, multiple submitters, no conflicts (2 of 4 stars). 6 submissions from 6 submitters: Pathogenic (5). 1 of the submissions does not count toward it. Last evaluated 2025-03-20.

Conditions:
Menkes kinky-hair syndrome (MNK). Also called: Menkes Disease; Copper transport disease; Classic Menkes Disease. Identifiers: Orphanet 565, MedGen C0022716, MONDO:0010651, OMIM 309400.
Cutis laxa, X-linked (OHS). Also called: EDS IX; Occipital horn syndrome. Identifiers: Orphanet 198, MedGen C0268353, MONDO:0010572, OMIM 304150.
X-linked distal spinal muscular atrophy type 3. Also called: SPINAL MUSCULAR ATROPHY, DISTAL, X-LINKED RECESSIVE; NEURONOPATHY, DISTAL HEREDITARY MOTOR, X-LINKED; NEUROPATHY, DISTAL HEREDITARY MOTOR, X-LINKED; ATP7A-Related Distal Motor Neuropathy. Identifiers: Orphanet 139557, MedGen C1845359, MONDO:0010338, OMIM 300489.

Submissions (6):

Labcorp Genetics (formerly Invitae), Labcorp
Classification: Pathogenic for X-linked distal spinal muscular atrophy type 3; Cutis laxa, X-linked; Menkes kinky-hair syndrome. Last evaluated: 2025-03-20. Review status: criteria provided, single submitter. Criteria: Invitae Variant Classification Sherloc (09022015). Collection method: clinical testing. Allele origin: germline.
Comment: This sequence change affects an acceptor splice site in intron 7 of the ATP7A gene. It is expected to disrupt RNA splicing. Variants that disrupt the donor or acceptor splice site typically lead to a loss of protein function (PMID: 16199547), and loss-of-function variants in ATP7A are known to be pathogenic (PMID: 11241493, 20652413). This variant is not present in population databases (gnomAD no frequency). Disruption of this splice site has been observed in individuals with Menkes disease (MD) (PMID: 8981948, 21494555). ClinVar contains an entry for this variant (Variation ID: 210401). Algorithms developed to predict the effect of sequence changes on RNA splicing suggest that this variant may disrupt the consensus splice site. For these reasons, this variant has been classified as Pathogenic.

3billion
Classification: Pathogenic for Menkes kinky-hair syndrome. Last evaluated: 2023-10-12. Review status: criteria provided, single submitter. Criteria: ACMG Guidelines, 2015. Collection method: clinical testing. Allele origin: germline. Affected: yes.
Comment: The variant is not observed in the gnomAD v2.1.1 dataset. Predicted Consequence/Location: Canonical splice site: predicted to alter splicing and result in a loss or disruption of normal protein function. Multiple pathogenic loss-of-function variants are reported downstream of the variant. The variant has been reported at least twice as pathogenic without evidence for the classification (ClinVar ID: VCV000210401 /PMID: 8981948). Therefore, this variant is classified as Pathogenic according to the recommendation of ACMG/AMP guideline.

Clinical Genetics Laboratory, Skane University Hospital Lund
Classification: Pathogenic. Last evaluated: 2023-09-15. Review status: criteria provided, single submitter. Criteria: ACMG Guidelines, 2015. Collection method: clinical testing. Allele origin: germline. Affected: yes.

GeneDx
Classification: Pathogenic. Last evaluated: 2023-07-28. Review status: criteria provided, single submitter. Criteria: GeneDx Variant Classification Process June 2021. Collection method: clinical testing. Allele origin: germline. Affected: yes.
Comment: Reported previously in a patient with classic Menkes disease; parental testing not performed (Tumer et al., 1997); Published functional studies in vivo demonstrated that the variant created a cryptic splice site resulting in a frameshift; wildtype transcript was not identified (Skjorringe et al., 2011); Canonical splice site variant predicted to result in a null allele in a gene for which loss of function is a known mechanism of disease; Not observed at significant frequency in large population cohorts (gnomAD); This variant is associated with the following publications: (PMID: 25525159, 8981948, 21494555)

Genetic Services Laboratory, University of Chicago
Classification: Pathogenic for Menkes disease. Last evaluated: 2013-02-08. Review status: criteria provided, single submitter. Criteria: ACMG Guidelines, 2007. Collection method: clinical testing. Allele origin: germline. Affected: yes.

Inherited Neuropathy Consortium Ii, University Of Miami
Classification: Uncertain significance for Menkes kinky-hair syndrome. Last evaluated: 2016-01-06. Review status: no assertion criteria provided. Collection method: literature only. Allele origin: germline. Affected: yes. Not counted in ClinVar's aggregate classification.

Literature cited by the submitters: PubMed 16199547 (cited by Labcorp Genetics (formerly Invitae), Labcorp); PubMed 11241493 (cited by Labcorp Genetics (formerly Invitae), Labcorp); PubMed 20652413 (cited by Labcorp Genetics (formerly Invitae), Labcorp); PubMed 8981948 (cited by Labcorp Genetics (formerly Invitae), Labcorp and 3billion); PubMed 21494555 (cited by Labcorp Genetics (formerly Invitae), Labcorp); PubMed 15517445 (cited by Inherited Neuropathy Consortium Ii, University Of Miami).

NM_000052.7(ATP7A):c.1870-1G>C

Gene: ATP7A (ATPase copper transporting alpha; plus strand). Cytogenetic location: Xq21.1.
Variant type: single nucleotide variant.
Coding change: c.1870-1G>C on transcript NM_000052.7 (MANE Select); the canonical splice acceptor site of the intron before coding-DNA position 1870, G replaced by C.
Molecular consequence: splice acceptor variant.
Genome position (GRCh38, 1-based): chrX:78,011,175, G>C. VCF-style: chrX-78011175-G-C. GRCh37 (hg19) VCF-style: chrX-77266672-G-C.
Other names: c.1870-1G>C (NM_001282224.2, NM_000052.6).
Identifiers: ClinVar variation 210401 (VCV000210401.13), dbSNP rs797045338, ClinGen allele CA277439.